The following is an entry in ClinVar:

ClinVar aggregate classification (germline): Uncertain significance (1 of 4 stars; one submission).

Allele frequency attached by ClinVar (database versions not stated): TOPMed below 0.00001.

Submission:

Labcorp Genetics (formerly Invitae), Labcorp
Classification: Uncertain significance. Last evaluated: 2025-11-17. Review status: criteria provided, single submitter. Criteria: Invitae Variant Classification Sherloc (09022015). Collection method: clinical testing. Allele origin: germline.
Comment: This variant, c.3222_3230del, results in the deletion of 3 amino acid(s) of the GRIN2D protein (p.Ala1079_Gly1081del), but otherwise preserves the integrity of the reading frame. The frequency data for this variant in the population databases is considered unreliable, as metrics indicate insufficient coverage at this position in the gnomAD database. This variant has not been reported in the literature in individuals affected with GRIN2D-related conditions. ClinVar contains an entry for this variant (Variation ID: 2980799). Experimental studies and prediction algorithms are not available or were not evaluated, and the functional significance of this variant is currently unknown. In summary, the available evidence is currently insufficient to determine the role of this variant in disease. Therefore, it has been classified as a Variant of Uncertain Significance.

NM_000836.4(GRIN2D):c.3222_3230del (p.1076AGG[1])

Gene: GRIN2D (glutamate ionotropic receptor NMDA type subunit 2D; plus strand). Cytogenetic location: 19q13.33.
Variant type: Deletion.
Coding change: c.3222_3230del on transcript NM_000836.4 (MANE Select); coding-DNA positions 3222 to 3230, 9 bases deleted (AGGCGCGGG; older notation c.3222_3230delAGGCGCGGG).
Protein change: p.1076AGG[1].
Molecular consequence: inframe deletion.
Genome position (GRCh38, 1-based): chr19:48,443,148-48,443,156, AGGCGCGGG deleted. VCF-style (leftmost placement, unchanged base first): chr19-48443147-CAGGCGCGGG-C. GRCh37 (hg19) VCF-style: chr19-48946404-CAGGCGCGGG-C.
Identifiers: ClinVar variation 2980799 (VCV002980799.3), dbSNP rs1971326128, ClinGen allele CA2339898195.
Genomic context (GRCh38, chr19:48,443,147, plus strand): 5'-GCCCGCCGGCGCCCGCGCGGTGGCCGCGCTCGGACCCCGAGAGCCAACCCCTGCTGGGGC[CAGGCGCGGG>C]CGGCGCGGGGGGCACGGGGGGCGCAGGCGGAGGAGCCCCGGCCGCTCCGCCCCCGTGCCG-3'